The following is an entry in ClinVar:

ClinVar aggregate classification (germline): Likely pathogenic. Review status: criteria provided, multiple submitters, no conflicts (2 of 4 stars). 2 submissions from 2 submitters: Likely pathogenic (2). Last evaluated 2024-11-13.

Conditions:
Autosomal recessive spastic paraplegia type 78. Identifiers: Orphanet 513436, MedGen C5567893, MONDO:0014975, OMIM 617225.

Submissions (2):

Johns Hopkins Genomics, Johns Hopkins University
Classification: Likely pathogenic for Autosomal recessive spastic paraplegia type 78. Last evaluated: 2024-11-13. Review status: criteria provided, single submitter. Criteria: ACMG Guidelines, 2015. Collection method: clinical testing. Allele origin: germline.
Comment: This ATP13A2 frameshift variant is absent from a large population dataset but has been reported in ClinVar2 (Variation ID: 1323953). This frameshift variant results in a premature stop codon in exon 16 of 29, likely leading to nonsense-mediated RNA decay and lack of protein production. We consider c.1436_1439del in ATP13A2 to be likely pathogenic.

Revvity Omics, Revvity
Classification: Likely pathogenic. Last evaluated: 2021-03-08. Review status: criteria provided, single submitter. Criteria: ACMG Guidelines, 2015. Collection method: clinical testing. Allele origin: germline.

NM_022089.4(ATP13A2):c.1436_1439del (p.Val479fs)

Gene: ATP13A2 (ATPase cation transporting 13A2; minus strand). Cytogenetic location: 1p36.13.
Variant type: Microsatellite.
Coding change: c.1436_1439del on transcript NM_022089.4 (MANE Select); coding-DNA positions 1436 to 1439, 4 bases deleted (TGTG; older notation c.1436_1439delTGTG).
Protein change: p.Val479fs; shifts the reading frame from valine 479.
Molecular consequence: frameshift variant.
Genome position (GRCh38, 1-based): chr1:16,996,079-16,996,082, CACA deleted on the plus strand (TGTG on the coding strand, the reverse complement: ATP13A2 is on the minus strand); deleting any 4 consecutive bases within chr1:16,996,079-16,996,084 gives the same sequence; the c. name uses the placement nearest the transcript's 3' end. VCF-style (leftmost placement, unchanged base first): chr1-16996078-GCACA-G. GRCh37 (hg19) VCF-style: chr1-17322573-GCACA-G.
Other names: c.1421_1424del, p.Val474fs (NM_001141973.3, NM_001141974.3); c.1436_1439del (NM_022089.3); short protein forms V474fs, V479fs.
Identifiers: ClinVar variation 1323953 (VCV001323953.5), dbSNP rs2077109424, ClinGen allele CA2580611135.